The following is an entry in ClinVar:

NM_002439.5(MSH3):c.704A>G (p.Gln235Arg)

Gene: MSH3 (mutS homolog 3; plus strand). Cytogenetic location: 5q14.1.
Variant type: single nucleotide variant.
Coding change: c.704A>G on transcript NM_002439.5 (MANE Select); coding-DNA position 704, A replaced by G.
Protein change: p.Gln235Arg; replaces glutamine 235 with arginine.
Molecular consequence: missense variant.
Genome position (GRCh38, 1-based): chr5:80,670,221, A>G. VCF-style: chr5-80670221-A-G. GRCh37 (hg19) VCF-style: chr5-79966040-A-G.
Other names: short protein forms Q235R.
Identifiers: ClinVar variation 863706 (VCV000863706.11), dbSNP rs1749674160, ClinGen allele CA360266820.

ClinVar aggregate classification (germline): Uncertain significance. Review status: criteria provided, multiple submitters, no conflicts (2 of 4 stars). 2 submissions from 2 submitters: Uncertain significance (2). Last evaluated 2025-10-23.

Conditions:
Hereditary cancer-predisposing syndrome. Also called: Hereditary Cancer Syndrome; Tumor predisposition; Neoplastic Syndromes, Hereditary; Hereditary neoplastic syndrome. Identifiers: Orphanet 140162, MedGen C0027672, MeSH D009386, MONDO:0015356.

Allele frequency attached by ClinVar (database versions not stated): gnomAD exomes below 0.00001.
gnomAD v4.1: 2 of 1,614,190 alleles (0.00012%); highest among the groups gnomAD compares: Non-Finnish European, 0.00017%; no homozygotes.

Submissions (2):

Labcorp Genetics (formerly Invitae), Labcorp
Classification: Uncertain significance. Last evaluated: 2025-10-23. Review status: criteria provided, single submitter. Criteria: Invitae Variant Classification Sherloc (09022015). Collection method: clinical testing. Allele origin: germline.
Comment: This sequence change replaces glutamine, which is neutral and polar, with arginine, which is basic and polar, at codon 235 of the MSH3 protein (p.Gln235Arg). This variant is not present in population databases (gnomAD no frequency). This variant has not been reported in the literature in individuals affected with MSH3-related conditions. ClinVar contains an entry for this variant (Variation ID: 863706). An algorithm developed to predict the effect of missense changes on protein structure and function (PolyPhen-2) suggests that this variant is likely to be disruptive. In summary, the available evidence is currently insufficient to determine the role of this variant in disease. Therefore, it has been classified as a Variant of Uncertain Significance.

Ambry Genetics
Classification: Uncertain significance for Hereditary cancer-predisposing syndrome. Last evaluated: 2025-02-16. Review status: criteria provided, single submitter. Criteria: Ambry Variant Classification Scheme 2023. Collection method: clinical testing. Allele origin: germline.
Comment: The p.Q235R variant (also known as c.704A>G), located in coding exon 4 of the MSH3 gene, results from an A to G substitution at nucleotide position 704. The glutamine at codon 235 is replaced by arginine, an amino acid with highly similar properties. This amino acid position is highly conserved in available vertebrate species. In addition, this alteration is predicted to be deleterious by in silico analysis. Since supporting evidence is limited at this time, the clinical significance of this alteration remains unclear.